The following is an entry in ClinVar:

ClinVar aggregate classification (germline): Uncertain significance (1 of 4 stars; one submission).

Submission:

GeneDx
Classification: Uncertain significance. Last evaluated: 2021-05-24. Review status: criteria provided, single submitter. Criteria: GeneDx Variant Classification Process June 2021. Collection method: clinical testing. Allele origin: germline. Affected: yes.
Comment: Not observed in large population cohorts (Database of Genomic Variants; MacDonald et al., 2014); In silico analysis supports that this missense variant does not alter protein structure/function; Has not been previously published as pathogenic or benign to our knowledge

NM_001080517.3(SETD5):c.1354G>C (p.Glu452Gln)

Gene: SETD5 (SET domain containing 5; plus strand). Cytogenetic location: 3p25.3.
Variant type: single nucleotide variant.
Coding change: c.1354G>C on transcript NM_001080517.3 (MANE Select); coding-DNA position 1354, G replaced by C.
Protein change: p.Glu452Gln; replaces glutamic acid 452 with glutamine.
Molecular consequence: missense variant.
Genome position (GRCh38, 1-based): chr3:9,445,214, G>C. VCF-style: chr3-9445214-G-C. GRCh37 (hg19) VCF-style: chr3-9486898-G-C.
Other names: c.1060G>C, p.Glu354Gln (NM_001292043.2, NM_001349451.2); short protein forms E354Q, E452Q.
Identifiers: ClinVar variation 1326508 (VCV001326508.2), dbSNP rs2125236739, ClinGen allele CA351693268.
Genomic context (GRCh38, chr3:9,445,214, plus strand): 5'-CTACCCACCATTGGAGCAGAGACTAGACGTAGAAAAGCACGACGGAAAGAGCTAGAGATG[G>C]AGCAGCAGAATGAGGCTTCAGAGGAGAATAATGACCAGCAATCACAAGAAGTTCCAGAAA-3'
Protein context (NP_001073986.1, residues 442-462): RKARRKELEM[Glu452Gln]QQNEASEENN